The following is an entry in ClinVar:

NM_017763.6(RNF43):c.455A>G (p.Gln152Arg)

Gene: RNF43 (ring finger protein 43; minus strand). Cytogenetic location: 17q22.
Variant type: single nucleotide variant.
Coding change: c.455A>G on transcript NM_017763.6 (MANE Select); coding-DNA position 455, A replaced by G.
Protein change: p.Gln152Arg; replaces glutamine 152 with arginine.
Molecular consequence: missense variant.
Genome position (GRCh38, 1-based): chr17:58,363,402, T>C on the plus strand (A>G on the coding strand, the complement: RNF43 is on the minus strand). VCF-style: chr17-58363402-T-C. GRCh37 (hg19) VCF-style: chr17-56440763-T-C.
Other names: c.455A>G, p.Gln152Arg (NM_001305544.3); c.74A>G, p.Gln25Arg (NM_001305545.2); c.455A>G (NM_017763.4); short protein forms Q152R, Q25R.
Identifiers: ClinVar variation 2185461 (VCV002185461.6), dbSNP rs1044896377, ClinGen allele CA292015224.
Genomic context (GRCh38, chr17:58,363,402, plus strand): 5'-AGCTTCTCAGCGTCATTACCCCAGATCAACACCACTGGCCAGGTCAGCCCCAGCGGCTGC[T>C]GCAGCTACAGGGGGAAAGTGCCCACAGGGCTGCTGTGACTTCTCCCTGCCCTTCCCTCTC-3'
Protein context (NP_060233.3, residues 142-162): TEDRAAAEQL[Gln152Arg]QPLGLTWPVV

ClinVar aggregate classification (germline): Uncertain significance. Review status: criteria provided, multiple submitters, no conflicts (2 of 4 stars). 3 submissions from 3 submitters: Uncertain significance (3). Last evaluated 2025-10-06.

Conditions:
Sessile serrated polyposis cancer syndrome (SSPCS). Identifiers: Orphanet 157798, MedGen C4310714, MONDO:0014919, OMIM 617108.

Allele frequency attached by ClinVar (database versions not stated): gnomAD exomes below 0.00001; gnomAD 0.00001; TOPMed 0.00001.
gnomAD v4.1: 7 of 1,614,062 alleles (0.00043%); highest among the groups gnomAD compares: Non-Finnish European, 0.00059%; no homozygotes.

Submissions (3):

Labcorp Genetics (formerly Invitae), Labcorp
Classification: Uncertain significance. Last evaluated: 2025-10-06. Review status: criteria provided, single submitter. Criteria: Invitae Variant Classification Sherloc (09022015). Collection method: clinical testing. Allele origin: germline.
Comment: This sequence change replaces glutamine, which is neutral and polar, with arginine, which is basic and polar, at codon 152 of the RNF43 protein (p.Gln152Arg). This variant is present in population databases (no rsID available, gnomAD 0.0009%). This variant has not been reported in the literature in individuals affected with RNF43-related conditions. ClinVar contains an entry for this variant (Variation ID: 2185461). An algorithm developed to predict the effect of missense changes on protein structure and function (PolyPhen-2) suggests that this variant is likely to be tolerated. In summary, the available evidence is currently insufficient to determine the role of this variant in disease. Therefore, it has been classified as a Variant of Uncertain Significance.

Ambry Genetics
Classification: Uncertain significance. Last evaluated: 2025-01-17. Review status: criteria provided, single submitter. Criteria: Ambry Variant Classification Scheme 2023. Collection method: clinical testing. Allele origin: germline.
Comment: The p.Q152R variant (also known as c.455A>G), located in coding exon 4 of the RNF43 gene, results from an A to G substitution at nucleotide position 455. The glutamine at codon 152 is replaced by arginine, an amino acid with highly similar properties. This amino acid position is conserved. In addition, this alteration is predicted to be tolerated by in silico analysis. Based on the available evidence, the clinical significance of this variant remains unclear.

Baylor Genetics
Classification: Uncertain significance for Sessile serrated polyposis cancer syndrome. Last evaluated: 2024-03-11. Review status: criteria provided, single submitter. Criteria: ACMG Guidelines, 2015. Collection method: clinical testing. Allele origin: unknown.